The following is an entry in ClinVar:

ClinVar aggregate classification (germline): Uncertain significance. Review status: criteria provided, multiple submitters, no conflicts (2 of 4 stars). 2 submissions from 2 submitters: Uncertain significance (2). Last evaluated 2025-01-31.

Conditions:
Inborn genetic diseases. Identifiers: MedGen C0950123, MeSH D030342.

Allele frequency attached by ClinVar (database versions not stated): gnomAD exomes 0.00001; ExAC 0.00002; TOPMed 0.00002; gnomAD 0.00005; 1000 Genomes Project 30x 0.00016; 1000 Genomes Project 0.00020.
gnomAD v4.1: 13 of 1,614,128 alleles (0.00081%); highest among the groups gnomAD compares: African/African-American, 0.0067%; no homozygotes.

Submissions (2):

Ambry Genetics
Classification: Uncertain significance for Inborn genetic diseases. Last evaluated: 2025-01-31. Review status: criteria provided, single submitter. Criteria: Ambry Variant Classification Scheme 2023. Collection method: clinical testing. Allele origin: germline.

Labcorp Genetics (formerly Invitae), Labcorp
Classification: Uncertain significance. Last evaluated: 2023-08-04. Review status: criteria provided, single submitter. Criteria: Invitae Variant Classification Sherloc (09022015). Collection method: clinical testing. Allele origin: germline.
Comment: Advanced modeling of protein sequence and biophysical properties (such as structural, functional, and spatial information, amino acid conservation, physicochemical variation, residue mobility, and thermodynamic stability) performed at Invitae indicates that this missense variant is not expected to disrupt EIF2B5 protein function. This sequence change replaces methionine, which is neutral and non-polar, with valine, which is neutral and non-polar, at codon 533 of the EIF2B5 protein (p.Met533Val). This variant is present in population databases (rs527310219, gnomAD 0.007%). This variant has not been reported in the literature in individuals affected with EIF2B5-related conditions. ClinVar contains an entry for this variant (Variation ID: 2145391). In summary, the available evidence is currently insufficient to determine the role of this variant in disease. Therefore, it has been classified as a Variant of Uncertain Significance.

NM_003907.3(EIF2B5):c.1597A>G (p.Met533Val)

Gene: EIF2B5 (eukaryotic translation initiation factor 2B subunit epsilon; plus strand). Cytogenetic location: 3q27.1.
Variant type: single nucleotide variant.
Coding change: c.1597A>G on transcript NM_003907.3 (MANE Select); coding-DNA position 1597, A replaced by G.
Protein change: p.Met533Val; replaces methionine 533 with valine.
Molecular consequence: missense variant.
Genome position (GRCh38, 1-based): chr3:184,142,829, A>G. VCF-style: chr3-184142829-A-G. GRCh37 (hg19) VCF-style: chr3-183860617-A-G.
Other names: c.1597A>G (NM_003907.2); short protein forms M533V.
Identifiers: ClinVar variation 2145391 (VCV002145391.5), dbSNP rs527310219, ClinGen allele CA2726750.
Genomic context (GRCh38, chr3:184,142,829, plus strand): 5'-GGCTTCTCAGGACTCAAGATCAACATGGAAGAAGAGAGTGAAAGTGAAAGTGAGCAAAGT[A>G]TGGATTCTGAGGAGCCGGACAGCCGGGGAGGCTCCCCTCAGATGGATGACATCAAAGGTG-3'
Protein context (NP_003898.2, residues 523-543): EESESESEQS[Met533Val]DSEEPDSRGG